The following is an entry in ClinVar:

ClinVar aggregate classification (germline): Pathogenic (1 of 4 stars; one submission).

Conditions:
Multiple endocrine neoplasia type 4. Also called: MULTIPLE ENDOCRINE NEOPLASIA, TYPE IV. Identifiers: Orphanet 276152, MedGen C1970712, MONDO:0012552, OMIM 610755.

Submission:

Labcorp Genetics (formerly Invitae), Labcorp
Classification: Pathogenic for Multiple endocrine neoplasia type 4. Last evaluated: 2021-03-18. Review status: criteria provided, single submitter. Criteria: Invitae Variant Classification Sherloc (09022015). Collection method: clinical testing. Allele origin: germline.
Comment: For these reasons, this variant has been classified as Pathogenic. This variant has not been reported in the literature in individuals with CDKN1B-related conditions. This variant is not present in population databases (ExAC no frequency). This sequence change creates a premature translational stop signal (p.Tyr89*) in the CDKN1B gene. It is expected to result in an absent or disrupted protein product. Loss-of-function variants in CDKN1B are known to be pathogenic (PMID: 17030811, 24819502).

Literature cited by the submitters: PubMed 17030811; PubMed 24819502.

NM_004064.5(CDKN1B):c.267_268del (p.Tyr89_Arg90delinsTer)

Gene: CDKN1B (cyclin dependent kinase inhibitor 1B; plus strand). Cytogenetic location: 12p13.1.
Variant type: Deletion.
Coding change: c.267_268del on transcript NM_004064.5 (MANE Select); coding-DNA positions 267 to 268, 2 bases deleted (CA; older notation c.267_268delCA).
Protein change: p.Tyr89_Arg90delinsTer.
Molecular consequence: nonsense.
Genome position (GRCh38, 1-based): chr12:12,718,106-12,718,107, CA deleted; deleting any 2 consecutive bases within chr12:12,718,105-12,718,107 gives the same sequence; the c. name uses the placement nearest the transcript's 3' end. VCF-style (leftmost placement, unchanged base first): chr12-12718104-TAC-T. GRCh37 (hg19) VCF-style: chr12-12871038-TAC-T.
Identifiers: ClinVar variation 1386042 (VCV001386042.6), dbSNP rs2136355920, ClinGen allele CA2573147862.